The following is an entry in ClinVar:

ClinVar aggregate classification (germline): Uncertain significance. Review status: criteria provided, multiple submitters, no conflicts (2 of 4 stars). 3 submissions from 3 submitters: Uncertain significance (3). Last evaluated 2024-04-01.

Conditions:
Hereditary cancer-predisposing syndrome. Also called: Tumor predisposition; Neoplastic Syndromes, Hereditary; Hereditary Cancer Syndrome; Hereditary neoplastic syndrome. Identifiers: Orphanet 140162, MedGen C0027672, MeSH D009386, MONDO:0015356.

Submissions (3):

CeGaT Center for Human Genetics Tuebingen
Classification: Uncertain significance. Last evaluated: 2024-04-01. Review status: criteria provided, single submitter. Criteria: CeGaT Center For Human Genetics Tuebingen Variant Classification Criteria Version 2. Collection method: clinical testing. Allele origin: germline. Affected: yes. Observed: 1 variant allele.
Comment: ATM: PM2, PP4, BP1

GeneDx
Classification: Uncertain significance. Last evaluated: 2019-10-22. Review status: criteria provided, single submitter. Criteria: GeneDx Variant Classification Process June 2021. Collection method: clinical testing. Allele origin: germline. Affected: yes.
Comment: Not observed in large population cohorts (Lek 2016); In silico analysis, which includes protein predictors and evolutionary conservation, supports a deleterious effect; Has not been previously published as pathogenic or benign to our knowledge

Ambry Genetics
Classification: Uncertain significance for Hereditary cancer-predisposing syndrome. Last evaluated: 2019-01-10. Review status: criteria provided, single submitter. Criteria: Ambry Variant Classification Scheme 2023. Collection method: clinical testing. Allele origin: germline.
Comment: The p.L2147P variant (also known as c.6440T>C), located in coding exon 43 of the ATM gene, results from a T to C substitution at nucleotide position 6440. The leucine at codon 2147 is replaced by proline, an amino acid with similar properties. This amino acid position is highly conserved in available vertebrate species. In addition, this alteration is predicted to be deleterious by in silico analysis. Since supporting evidence is limited at this time, the clinical significance of this alteration remains unclear.

NM_000051.4(ATM):c.6440T>C (p.Leu2147Pro)

Genes: ATM (ATM serine/threonine kinase; plus strand), C11orf65 (chromosome 11 open reading frame 65; minus strand). Cytogenetic location: 11q22.3.
Variant type: single nucleotide variant.
Coding change: c.6440T>C on transcript NM_000051.4 (MANE Select); coding-DNA position 6440, T replaced by C.
Protein change: p.Leu2147Pro; replaces leucine 2147 with proline.
Molecular consequence: missense variant. On other transcripts: intron variant (2).
Genome position (GRCh38, 1-based): chr11:108,320,046, T>C. VCF-style: chr11-108320046-T-C. GRCh37 (hg19) VCF-style: chr11-108190773-T-C.
Other names: c.6440T>C, p.Leu2147Pro (NM_001351834.2); c.641-10975A>G (NM_001330368.2); c.*39-10975A>G (NM_001351110.2); short protein forms L2147P.
Identifiers: ClinVar variation 826408 (VCV000826408.27), dbSNP rs1591100592, ClinGen allele CA382553614.